The following is an entry in ClinVar:

ClinVar aggregate classification (germline): Uncertain significance. Review status: criteria provided, multiple submitters, no conflicts (2 of 4 stars). 3 submissions from 3 submitters: Uncertain significance (3). Last evaluated 2025-08-21.

Conditions:
Inborn genetic diseases. Identifiers: MedGen C0950123, MeSH D030342.
Brachyolmia-amelogenesis imperfecta syndrome. Also called: PLATYSPONDYLY WITH AMELOGENESIS IMPERFECTA; Tooth agenesis, selective, 6; Dental anomalies and short stature. Identifiers: Orphanet 2899, MedGen C1832594, MONDO:0011018, OMIM 601216. Disease mechanism: loss of function.

Allele frequency attached by ClinVar (database versions not stated): gnomAD exomes below 0.00001; TOPMed below 0.00001; gnomAD 0.00001.

Submissions (3):

Ambry Genetics
Classification: Uncertain significance for Inborn genetic diseases. Last evaluated: 2025-08-21. Review status: criteria provided, single submitter. Criteria: Ambry Variant Classification Scheme 2023. Collection method: clinical testing. Allele origin: germline.

Blueprint Genetics
Classification: Uncertain significance. Last evaluated: 2024-09-20. Review status: criteria provided, single submitter. Criteria: ACMG Guidelines, 2015. Collection method: clinical testing. Allele origin: germline.

Labcorp Genetics (formerly Invitae), Labcorp
Classification: Uncertain significance for Brachyolmia-amelogenesis imperfecta syndrome. Last evaluated: 2023-12-09. Review status: criteria provided, single submitter. Criteria: Invitae Variant Classification Sherloc (09022015). Collection method: clinical testing. Allele origin: germline.
Comment: This sequence change replaces arginine, which is basic and polar, with histidine, which is basic and polar, at codon 366 of the LTBP3 protein (p.Arg366His). This variant is present in population databases (rs200130725, gnomAD 0.002%). This variant has not been reported in the literature in individuals affected with LTBP3-related conditions. ClinVar contains an entry for this variant (Variation ID: 1943876). An algorithm developed to predict the effect of missense changes on protein structure and function (PolyPhen-2) suggests that this variant is likely to be disruptive. In summary, the available evidence is currently insufficient to determine the role of this variant in disease. Therefore, it has been classified as a Variant of Uncertain Significance.

NM_001130144.3(LTBP3):c.1097G>A (p.Arg366His)

Gene: LTBP3 (latent transforming growth factor beta binding protein 3; minus strand). Cytogenetic location: 11q13.1.
Variant type: single nucleotide variant.
Coding change: c.1097G>A on transcript NM_001130144.3 (MANE Select); coding-DNA position 1097, G replaced by A.
Protein change: p.Arg366His; replaces arginine 366 with histidine.
Molecular consequence: missense variant.
Genome position (GRCh38, 1-based): chr11:65,552,949, C>T on the plus strand (G>A on the coding strand, the complement: LTBP3 is on the minus strand). VCF-style: chr11-65552949-C-T. GRCh37 (hg19) VCF-style: chr11-65320420-C-T.
Other names: c.1097G>A (NM_001130144.2); c.746G>A, p.Arg249His (NM_001164266.1); c.1097G>A, p.Arg366His (NM_021070.4); short protein forms R249H, R366H.
Identifiers: ClinVar variation 1943876 (VCV001943876.9), dbSNP rs200130725, ClinGen allele CA223969396.
Genomic context (GRCh38, chr11:65,552,949, plus strand): 5'-CTATGGCCAGGTGGGCAGACACAGCGATAGGAGCCAGGGTTGTTGAGGCAGTCACCATGG[C>T]GACACACGCCCGGCATTGCGCACTCGTTGATGTCTGTGGTAAGTGGAAGTTTGGCCCCTC-3'
Protein context (NP_001123616.1, residues 356-376): INECAMPGVC[Arg366His]HGDCLNNPGS